The following is an entry in ClinVar:

ClinVar aggregate classification (germline): Uncertain significance (1 of 4 stars; one submission).

Allele frequency attached by ClinVar (database versions not stated): ExAC 0.00001; gnomAD exomes 0.00001; gnomAD 0.00002; TOPMed 0.00002; ESP Exome Variant Server 0.00008.
gnomAD v4.1: 23 of 1,614,064 alleles (0.0014%); highest among the groups gnomAD compares: Non-Finnish European, 0.0017%; no homozygotes.

Submission:

Labcorp Genetics (formerly Invitae), Labcorp
Classification: Uncertain significance. Last evaluated: 2022-06-29. Review status: criteria provided, single submitter. Criteria: Invitae Variant Classification Sherloc (09022015). Collection method: clinical testing. Allele origin: germline.
Comment: This sequence change replaces threonine, which is neutral and polar, with isoleucine, which is neutral and non-polar, at codon 90 of the WDR4 protein (p.Thr90Ile). This variant is present in population databases (rs369566155, gnomAD 0.002%). This variant has not been reported in the literature in individuals affected with WDR4-related conditions. Algorithms developed to predict the effect of missense changes on protein structure and function are either unavailable or do not agree on the potential impact of this missense change (SIFT: "Tolerated"; PolyPhen-2: "Possibly Damaging"; Align-GVGD: "Class C0"). In summary, the available evidence is currently insufficient to determine the role of this variant in disease. Therefore, it has been classified as a Variant of Uncertain Significance.

NM_018669.6(WDR4):c.269C>T (p.Thr90Ile)

Gene: WDR4 (WDR4 tRNA N7-guanosine methyltransferase non-catalytic subunit; minus strand). Cytogenetic location: 21q22.3.
Variant type: single nucleotide variant.
Coding change: c.269C>T on transcript NM_018669.6 (MANE Select); coding-DNA position 269, C replaced by T.
Protein change: p.Thr90Ile; replaces threonine 90 with isoleucine.
Molecular consequence: missense variant. On other transcripts: non-coding transcript variant (1), intron variant (3).
Genome position (GRCh38, 1-based): chr21:42,873,578, G>A on the plus strand (C>T on the coding strand, the complement: WDR4 is on the minus strand). VCF-style: chr21-42873578-G-A. GRCh37 (hg19) VCF-style: chr21-44293688-G-A.
Other names: c.269C>T, p.Thr90Ile (NM_001260474.2, NM_033661.5); c.-143+25C>T (NM_001260476.2, NM_001260475.2, NM_001260477.2); short protein forms T90I.
Identifiers: ClinVar variation 2428474 (VCV002428474.3), dbSNP rs369566155, ClinGen allele CA10046207.